The following is an entry in ClinVar:

NM_002900.3(RBP3):c.401G>A (p.Arg134Gln)

Gene: RBP3 (retinol binding protein 3; plus strand). Cytogenetic location: 10q11.22.
Variant type: single nucleotide variant.
Coding change: c.401G>A on transcript NM_002900.3 (MANE Select); coding-DNA position 401, G replaced by A.
Protein change: p.Arg134Gln; replaces arginine 134 with glutamine.
Molecular consequence: missense variant.
Genome position (GRCh38, 1-based): chr10:47,348,885, G>A. VCF-style: chr10-47348885-G-A. GRCh37 (hg19) VCF-style: chr10-48390477-C-T.
Other names: c.401G>A (NM_002900.2); short protein forms R134Q.
Identifiers: ClinVar variation 1524744 (VCV001524744.6), dbSNP rs538289853, ClinGen allele CA5487799.

ClinVar aggregate classification (germline): Uncertain significance. Review status: criteria provided, multiple submitters, no conflicts (2 of 4 stars). 3 submissions from 3 submitters: Uncertain significance (3). Last evaluated 2025-04-11.

Conditions:
Inborn genetic diseases. Identifiers: MedGen C0950123, MeSH D030342.

Allele frequency attached by ClinVar (database versions not stated): gnomAD exomes below 0.00001; ExAC 0.00001.
gnomAD v4.1: 14 of 1,613,774 alleles (0.00087%); highest among the groups gnomAD compares: East Asian, 0.0089%; no homozygotes.

Submissions (3):

Ambry Genetics
Classification: Uncertain significance for Inborn genetic diseases. Last evaluated: 2025-04-11. Review status: criteria provided, single submitter. Criteria: Ambry Variant Classification Scheme 2023. Collection method: clinical testing. Allele origin: germline.

Labcorp Genetics (formerly Invitae), Labcorp
Classification: Uncertain significance. Last evaluated: 2023-07-17. Review status: criteria provided, single submitter. Criteria: Invitae Variant Classification Sherloc (09022015). Collection method: clinical testing. Allele origin: germline.
Comment: This sequence change replaces arginine, which is basic and polar, with glutamine, which is neutral and polar, at codon 134 of the RBP3 protein (p.Arg134Gln). This variant is present in population databases (rs538289853, gnomAD 0.006%). This variant has not been reported in the literature in individuals affected with RBP3-related conditions. ClinVar contains an entry for this variant (Variation ID: 1524744). An algorithm developed to predict the effect of missense changes on protein structure and function (PolyPhen-2) suggests that this variant¬†is likely to be tolerated. In summary, the available evidence is currently insufficient to determine the role of this variant in disease. Therefore, it has been classified as a Variant of Uncertain Significance.

Blueprint Genetics
Classification: Uncertain significance. Last evaluated: 2021-08-26. Review status: criteria provided, single submitter. Criteria: ACMG Guidelines, 2015. Collection method: clinical testing. Allele origin: germline.